The following is an entry in ClinVar:

NM_000135.4(FANCA):c.1709A>G (p.Glu570Gly)

Gene: FANCA (FA complementation group A; minus strand). Cytogenetic location: 16q24.3.
Variant type: single nucleotide variant.
Coding change: c.1709A>G on transcript NM_000135.4 (MANE Select); coding-DNA position 1709, A replaced by G.
Protein change: p.Glu570Gly; replaces glutamic acid 570 with glycine.
Molecular consequence: missense variant.
Genome position (GRCh38, 1-based): chr16:89,779,875, T>C on the plus strand (A>G on the coding strand, the complement: FANCA is on the minus strand). VCF-style: chr16-89779875-T-C. GRCh37 (hg19) VCF-style: chr16-89846283-T-C.
Other names: c.1709A>G, p.Glu570Gly (NM_001286167.3); c.1709A>G (NM_000135.2); short protein forms E570G.
Identifiers: ClinVar variation 1008538 (VCV001008538.3), dbSNP rs2039642209, ClinGen allele CA397455816.

ClinVar aggregate classification (germline): Uncertain significance. Review status: criteria provided, multiple submitters, no conflicts (2 of 4 stars). 2 submissions from 2 submitters: Uncertain significance (2). Last evaluated 2025-10-14.

Conditions:
Fanconi anemia (FA). Also called: Fanconi's anemia. Identifiers: Orphanet 84, MedGen C0015625, MeSH D005199, MONDO:0019391.
Inborn genetic diseases. Identifiers: MedGen C0950123, MeSH D030342.

Submissions (2):

Ambry Genetics
Classification: Uncertain significance for Inborn genetic diseases. Last evaluated: 2025-10-14. Review status: criteria provided, single submitter. Criteria: Ambry Variant Classification Scheme 2023. Collection method: clinical testing. Allele origin: germline.
Comment: The p.E570G variant (also known as c.1709A>G), located in coding exon 18 of the FANCA gene, results from an A to G substitution at nucleotide position 1709. The glutamic acid at codon 570 is replaced by glycine, an amino acid with similar properties. This amino acid position is conserved. In addition, this alteration is predicted to be deleterious by in silico analysis. Based on the available evidence, the clinical significance of this variant remains unclear.

Labcorp Genetics (formerly Invitae), Labcorp
Classification: Uncertain significance for Fanconi anemia. Last evaluated: 2021-08-27. Review status: criteria provided, single submitter. Criteria: Invitae Variant Classification Sherloc (09022015). Collection method: clinical testing. Allele origin: germline.
Comment: This sequence change replaces glutamic acid with glycine at codon 570 of the FANCA protein (p.Glu570Gly). The glutamic acid residue is highly conserved and there is a moderate physicochemical difference between glutamic acid and glycine. This variant is not present in population databases (ExAC no frequency). This variant has not been reported in the literature in individuals affected with FANCA-related conditions. Algorithms developed to predict the effect of missense changes on protein structure and function are either unavailable or do not agree on the potential impact of this missense change (SIFT: "Deleterious"; PolyPhen-2: "Benign"; Align-GVGD: "Class C0"). In summary, the available evidence is currently insufficient to determine the role of this variant in disease. Therefore, it has been classified as a Variant of Uncertain Significance.